The following is an entry in ClinVar:

ClinVar aggregate classification (germline): Uncertain significance (1 of 4 stars; one submission).

Submission:

Labcorp Genetics (formerly Invitae), Labcorp
Classification: Uncertain significance. Last evaluated: 2022-03-04. Review status: criteria provided, single submitter. Criteria: Invitae Variant Classification Sherloc (09022015). Collection method: clinical testing. Allele origin: germline.
Comment: This sequence change replaces cysteine, which is neutral and slightly polar, with tyrosine, which is neutral and polar, at codon 2196 of the EYS protein (p.Cys2196Tyr). This variant is not present in population databases (gnomAD no frequency). This variant has not been reported in the literature in individuals affected with EYS-related conditions. Algorithms developed to predict the effect of missense changes on protein structure and function (SIFT, PolyPhen-2, Align-GVGD) all suggest that this variant is likely to be tolerated. In summary, the available evidence is currently insufficient to determine the role of this variant in disease. Therefore, it has been classified as a Variant of Uncertain Significance.

NM_001142800.2(EYS):c.6587G>A (p.Cys2196Tyr)

Gene: EYS (EGF-like photoreceptor maintenance factor; minus strand). Cytogenetic location: 6q12.
Variant type: single nucleotide variant.
Coding change: c.6587G>A on transcript NM_001142800.2 (MANE Select); coding-DNA position 6587, G replaced by A.
Protein change: p.Cys2196Tyr; replaces cysteine 2196 with tyrosine.
Molecular consequence: missense variant.
Genome position (GRCh38, 1-based): chr6:64,066,476, C>T on the plus strand (G>A on the coding strand, the complement: EYS is on the minus strand). VCF-style: chr6-64066476-C-T. GRCh37 (hg19) VCF-style: chr6-64776369-C-T.
Other names: c.6587G>A, p.Cys2196Tyr (NM_001292009.2); short protein forms C2196Y.
Identifiers: ClinVar variation 1968509 (VCV001968509.5), dbSNP rs1250580017, ClinGen allele CA364389958.